The following is an entry in ClinVar:

NM_000059.4(BRCA2):c.7022G>A (p.Arg2341His)

Gene: BRCA2 (BRCA2 DNA repair associated; plus strand). Cytogenetic location: 13q13.1.
Variant type: single nucleotide variant.
Coding change: c.7022G>A on transcript NM_000059.4 (MANE Select); coding-DNA position 7022, G replaced by A.
Protein change: p.Arg2341His; replaces arginine 2341 with histidine.
Molecular consequence: missense variant.
Genome position (GRCh38, 1-based): chr13:32,354,875, G>A. VCF-style: chr13-32354875-G-A. GRCh37 (hg19) VCF-style: chr13-32929012-G-A.
Other names: short protein forms R2341H.
Identifiers: ClinVar variation 479281 (VCV000479281.27), dbSNP rs786202839, ClinGen allele CA387794119.
Genomic context (GRCh38, chr13:32,354,875, plus strand): 5'-ATATGTGTACTAGTCAATAAACTTATATATTTTCTCCCCATTGCAGCACAACTAAGGAAC[G>A]TCAAGAGATACAGAATCCAAATTTTACCGCACCTGGTCAAGAATTTCTGTCTAAATCTCA-3'
Protein context (NP_000050.3, residues 2331-2351): TCVPFRTTKE[Arg2341His]QEIQNPNFTA

ClinVar aggregate classification (germline): Uncertain significance. Review status: criteria provided, multiple submitters, no conflicts (2 of 4 stars). 11 submissions from 11 submitters: Uncertain significance (9). 2 of the submissions do not count toward it. Last evaluated 2025-08-05.

Conditions:
Hereditary cancer-predisposing syndrome. Also called: Tumor predisposition; Neoplastic Syndromes, Hereditary; Hereditary Cancer Syndrome; Hereditary neoplastic syndrome. Identifiers: Orphanet 140162, MedGen C0027672, MeSH D009386, MONDO:0015356.
Hereditary breast ovarian cancer syndrome. Also called: Hereditary breast and ovarian cancer; Breast and ovarian cancer; Hereditary breast and/or ovarian cancer syndrome; Hereditary breast and ovarian cancer syndrome (HBOC); BRCA1- and BRCA2-Associated Hereditary Breast and Ovarian Cancer; Hereditary breast and ovarian cancer syndrome. Identifiers: Orphanet 145, MedGen C0677776, MeSH D061325, MONDO:0003582. Disease mechanism: loss of function.
Breast-ovarian cancer, familial, susceptibility to, 2 (BROVCA2). Also called: BRCA2 Hereditary Breast and Ovarian Cancer. Identifiers: Orphanet 145, MedGen C2675520, MONDO:0012933, OMIM 612555. Disease mechanism: loss of function.
Familial cancer of breast. Also called: BREAST CANCER, FAMILIAL; Hereditary breast cancer; hereditary breast carcinoma. Identifiers: Orphanet 227535, MedGen C0346153, MONDO:0016419, OMIM 114480. Disease mechanism: loss of function.

Allele frequency attached by ClinVar (database versions not stated): gnomAD exomes below 0.00001; TOPMed below 0.00001; gnomAD 0.00001.
gnomAD v4.1: 4 of 1,595,478 alleles (0.00025%); highest among the groups gnomAD compares: Non-Finnish European, 0.00026%; no homozygotes.

Submissions (11):

Labcorp Genetics (formerly Invitae), Labcorp
Classification: Uncertain significance for Hereditary breast ovarian cancer syndrome. Last evaluated: 2025-08-05. Review status: criteria provided, single submitter. Criteria: Invitae Variant Classification Sherloc (09022015). Collection method: clinical testing. Allele origin: germline.
Comment: This sequence change replaces arginine, which is basic and polar, with histidine, which is basic and polar, at codon 2341 of the BRCA2 protein (p.Arg2341His). This variant is not present in population databases (gnomAD no frequency). This missense change has been observed in individual(s) with clinical features of BRCA2-related conditions (PMID: 10923033). ClinVar contains an entry for this variant (Variation ID: 479281). Invitae Evidence Modeling of protein sequence and biophysical properties (such as structural, functional, and spatial information, amino acid conservation, physicochemical variation, residue mobility, and thermodynamic stability) indicates that this missense variant is not expected to disrupt BRCA2 protein function with a negative predictive value of 95%. Experimental studies have shown that this missense change does not substantially affect BRCA2 function (PMID: 37922907). In summary, the available evidence is currently insufficient to determine the role of this variant in disease. Therefore, it has been classified as a Variant of Uncertain Significance.

Ambry Genetics
Classification: Uncertain significance for Hereditary cancer-predisposing syndrome. Last evaluated: 2024-05-27. Review status: criteria provided, single submitter. Criteria: Ambry Variant Classification Scheme 2023. Collection method: clinical testing. Allele origin: germline.
Comment: The p.R2341H variant (also known as c.7022G>A), located in coding exon 13 of the BRCA2 gene, results from a G to A substitution at nucleotide position 7022. The arginine at codon 2341 is replaced by histidine, an amino acid with highly similar properties. This amino acid position is not well conserved in available vertebrate species. In addition, the in silico prediction for this alteration is inconclusive. Based on the available evidence, the clinical significance of this variant remains unclear.

Baylor Genetics
Classification: Uncertain significance for Familial cancer of breast. Last evaluated: 2024-01-24. Review status: criteria provided, single submitter. Criteria: ACMG Guidelines, 2015. Collection method: clinical testing. Allele origin: unknown.

All of Us Research Program, National Institutes of Health
Classification: Uncertain significance for Breast-ovarian cancer, familial, susceptibility to, 2. Last evaluated: 2023-12-18. Review status: criteria provided, single submitter. Criteria: ACMG Guidelines, 2015. Collection method: clinical testing. Allele origin: germline. Inheritance: Autosomal dominant inheritance. Observed: 1 variant allele, 1 heterozygote.
Comment: This missense variant replaces arginine with histidine at codon 2341 of the BRCA2 protein. Computational prediction suggests that this variant may not impact protein structure and function (internally defined REVEL score threshold <= 0.5, PMID: 27666373). A functional study in mouse embryonic stem cells has shown that this variant does not impact cell viability or sensitivity to PARP inhibitors (PMID: 37922907). This variant has been reported in an individual affected with breast cancer (PMID: 33471991; Leiden Open Variation Database DB-ID BRCA2_001548) and in a multifactorial analysis with co-occurrence and family history likelihood ratios for pathogenicity of 1.025 and 0.492, respectively (PMID: 31131967). This variant has not been identified in the general population by the Genome Aggregation Database (gnomAD). The available evidence is insufficient to determine the role of this variant in disease conclusively. Therefore, this variant is classified as a Variant of Uncertain Significance.

This study involves interpretation of variants in research participants for the purpose of population health screening. Participant phenotype was not available at the time of variant classification. Additional details can be found in publication PMID: 35346344, PMCID: PMC8962531

Color Diagnostics, LLC DBA Color Health
Classification: Uncertain significance for Hereditary cancer-predisposing syndrome. Last evaluated: 2023-11-20. Review status: criteria provided, single submitter. Criteria: ACMG Guidelines, 2015. Collection method: clinical testing. Allele origin: germline.
Comment: This missense variant replaces arginine with histidine at codon 2341 of the BRCA2 protein. Computational prediction suggests that this variant may not impact protein structure and function (internally defined REVEL score threshold <= 0.5, PMID: 27666373). A functional study in mouse embryonic stem cells has shown that this variant does not impact cell viability or sensitivity to PARP inhibitors (PMID: 37922907). This variant has been reported in an individual affected with breast cancer (PMID: 33471991; Leiden Open Variation Database DB-ID BRCA2_001548) and in a multifactorial analysis with co-occurrence and family history likelihood ratios for pathogenicity of 1.025 and 0.492, respectively (PMID: 31131967). This variant has not been identified in the general population by the Genome Aggregation Database (gnomAD). The available evidence is insufficient to determine the role of this variant in disease conclusively. Therefore, this variant is classified as a Variant of Uncertain Significance.

GeneDx
Classification: Uncertain significance. Last evaluated: 2023-06-12. Review status: criteria provided, single submitter. Criteria: GeneDx Variant Classification Process June 2021. Collection method: clinical testing. Allele origin: germline. Affected: yes.
Comment: Not observed at significant frequency in large population cohorts (gnomAD); In silico analysis supports that this missense variant does not alter protein structure/function; Observed in individuals with breast cancer (Dorling et al., 2021); Also known as 7250G>A; This variant is associated with the following publications: (PMID: 33471991, 31911673, 31131967, 31853058, 32377563, 29884841)

Quest Diagnostics Nichols Institute San Juan Capistrano
Classification: Uncertain significance. Last evaluated: 2022-02-02. Review status: criteria provided, single submitter. Criteria: Quest Diagnostics criteria. Collection method: clinical testing. Allele origin: unknown.
Comment: It has not been reported in large, multi-ethnic general populations. In a large-scale case-control study, the variant has only been observed in an affected individual with breast cancer (PMID: 33471991 (2021)). Analysis of this variant using bioinformatics tools for the prediction of the effect of amino acid changes on protein structure and function yielded conflicting predictions that this variant is benign or damaging. Based on the available information, we are unable to determine the clinical significance of this variant.

Sema4
Classification: Uncertain significance for Hereditary cancer-predisposing syndrome. Last evaluated: 2021-09-07. Review status: criteria provided, single submitter. Criteria: Sema4 Curation Guidelines. Collection method: curation. Allele origin: germline.
Comment: The BRCA2 c.7022G>A (p.R2341H) variant has been reported in at least one individual with breast cancer (PMID: 33471991). It was not observed in the large and broad cohorts of the Genome Aggregation Database (PMID: 32461654). The variant has been reported in ClinVar (Variation ID 479281). Functional studies have not been performed, and in silico predictions of the variant's effect on protein function are inconclusive. The evidence is insufficient to meet ACMG/AMP criteria for classifying the variant as benign or pathogenic. Thus, the clinical significance of this variant is currently uncertain.

Women's Health and Genetics/Laboratory Corporation of America, LabCorp
Classification: Uncertain significance. Last evaluated: 2019-02-21. Review status: criteria provided, single submitter. Criteria: LabCorp Variant Classification Summary - May 2015. Collection method: clinical testing. Allele origin: germline.
Comment: Variant summary: BRCA2 c.7022G>A (p.Arg2341His) results in a non-conservative amino acid change in the encoded protein sequence. Three of five in-silico tools predict a damaging effect of the variant on protein function. The variant was absent in 246036 control chromosomes (gnomAD). The available data on variant occurrences in the general population are insufficient to allow any conclusion about variant significance. To our knowledge, no occurrence of c.7022G>A in individuals affected with Hereditary Breast and Ovarian Cancer and no experimental evidence demonstrating its impact on protein function have been reported. A ClinVar submission from a clinical diagnostic laboratory (evaluation after 2014) cites the variant as uncertain significance. Based on the evidence outlined above, the variant was classified as uncertain significance.

Diagnostic Laboratory, Department of Genetics, University Medical Center Groningen
Classification: Uncertain significance. Review status: no assertion criteria provided. Collection method: clinical testing. Allele origin: germline. Affected: yes. Study: VKGL Data-share Consensus. Not counted in ClinVar's aggregate classification.

Joint Genome Diagnostic Labs from Nijmegen and Maastricht, Radboudumc and MUMC+
Classification: Uncertain significance. Review status: no assertion criteria provided. Collection method: clinical testing. Allele origin: germline. Affected: yes. Study: VKGL Data-share Consensus. Not counted in ClinVar's aggregate classification.

Literature cited by the submitters: PubMed 10923033 (cited by Labcorp Genetics (formerly Invitae), Labcorp); PubMed 37922907 (cited by 3 submitters); PubMed 31131967 (cited by All of Us Research Program, National Institutes of Health and Color Diagnostics, LLC DBA Color Health); PubMed 33471991 (cited by 4 submitters).